The following is an entry in ClinVar:

ClinVar aggregate classification (germline): Benign/Likely benign. Review status: criteria provided, multiple submitters, no conflicts (2 of 4 stars). 5 submissions from 5 submitters: Benign (4); Likely benign (1). Last evaluated 2026-09-01.

Conditions:
Inborn genetic diseases. Identifiers: MedGen C0950123, MeSH D030342.
Developmental and epileptic encephalopathy, 30 (DEE30). Also called: Epileptic encephalopathy, early infantile, 30. Identifiers: MedGen C4225360, MONDO:0014595, OMIM 616341.

Allele frequency attached by ClinVar (database versions not stated): gnomAD 0.00051; gnomAD exomes 0.00060; ExAC 0.00080; ESP Exome Variant Server 0.00100; 1000 Genomes Project 0.00160.

Submissions (5):

CeGaT Center for Human Genetics Tuebingen
Classification: Likely benign. Last evaluated: 2026-09-01. Review status: criteria provided, single submitter. Criteria: CeGaT Center For Human Genetics Tuebingen Variant Classification Criteria Version 2. Collection method: clinical testing. Allele origin: germline. Affected: yes. Observed: 3 variant alleles.
Comment: SIK1: BP4, BP7

Labcorp Genetics (formerly Invitae), Labcorp
Classification: Benign for Developmental and epileptic encephalopathy, 30. Last evaluated: 2026-02-02. Review status: criteria provided, single submitter. Criteria: Invitae Variant Classification Sherloc (09022015). Collection method: clinical testing. Allele origin: germline.

Blueprint Genetics
Classification: Benign. Last evaluated: 2024-10-23. Review status: criteria provided, single submitter. Criteria: ACMG Guidelines, 2015. Collection method: clinical testing. Allele origin: germline.

Ambry Genetics
Classification: Benign for Inborn genetic diseases. Last evaluated: 2016-10-29. Review status: criteria provided, single submitter. Criteria: Ambry Variant Classification Scheme 2023. Collection method: clinical testing. Allele origin: germline.

Breakthrough Genomics
Classification: Benign. Review status: criteria provided, single submitter. Criteria: ACMG Guidelines, 2015. Collection method: not provided. Allele origin: germline. Inheritance: Autosomal dominant inheritance. Affected: yes.

NM_173354.5(SIK1):c.966G>A (p.Thr322=)

Gene: SIK1 (salt inducible kinase 1; minus strand). Cytogenetic location: 21q22.3.
Variant type: single nucleotide variant.
Coding change: c.966G>A on transcript NM_173354.5 (MANE Select); coding-DNA position 966, G replaced by A.
Protein change: p.Thr322=; no amino-acid change (threonine 322 retained).
Molecular consequence: synonymous variant.
Genome position (GRCh38, 1-based): chr21:43,420,240, C>T on the plus strand (G>A on the coding strand, the complement: SIK1 is on the minus strand). VCF-style: chr21-43420240-C-T. GRCh37 (hg19) VCF-style: chr21-44840120-C-T.
Identifiers: ClinVar variation 542726 (VCV000542726.40), dbSNP rs148266853, ClinGen allele CA321326704.